The following is an entry in ClinVar:

ClinVar aggregate classification (germline): Uncertain significance (1 of 4 stars; one submission).

Conditions:
Dilated cardiomyopathy 1KK (CMD1KK). Identifiers: Orphanet 154, Orphanet 75249, MedGen C3714995, MONDO:0014100, OMIM 615248.

Submission:

Labcorp Genetics (formerly Invitae), Labcorp
Classification: Uncertain significance for Dilated cardiomyopathy 1KK. Last evaluated: 2022-02-25. Review status: criteria provided, single submitter. Criteria: Invitae Variant Classification Sherloc (09022015). Collection method: clinical testing. Allele origin: germline.
Comment: In summary, the available evidence is currently insufficient to determine the role of this variant in disease. Therefore, it has been classified as a Variant of Uncertain Significance. Algorithms developed to predict the effect of missense changes on protein structure and function are either unavailable or do not agree on the potential impact of this missense change (SIFT: "Tolerated"; PolyPhen-2: "Possibly Damaging"; Align-GVGD: "Class C0"). This variant has not been reported in the literature in individuals affected with MYPN-related conditions. This variant is not present in population databases (gnomAD no frequency). This sequence change replaces leucine, which is neutral and non-polar, with tryptophan, which is neutral and slightly polar, at codon 1039 of the MYPN protein (p.Leu1039Trp).

NM_032578.4(MYPN):c.3116T>G (p.Leu1039Trp)

Gene: MYPN (myopalladin; plus strand). Cytogenetic location: 10q21.3.
Variant type: single nucleotide variant.
Coding change: c.3116T>G on transcript NM_032578.4 (MANE Select); coding-DNA position 3116, T replaced by G.
Protein change: p.Leu1039Trp; replaces leucine 1039 with tryptophan.
Molecular consequence: missense variant. On other transcripts: non-coding transcript variant (2).
Genome position (GRCh38, 1-based): chr10:68,195,490, T>G. VCF-style: chr10-68195490-T-G. GRCh37 (hg19) VCF-style: chr10-69955247-T-G.
Other names: c.3116T>G, p.Leu1039Trp (NM_001256267.2); c.2234T>G, p.Leu745Trp (NM_001256268.2); short protein forms L1039W, L745W.
Identifiers: ClinVar variation 2103470 (VCV002103470.4), dbSNP rs2495938284, ClinGen allele CA376857499.